The following is an entry in ClinVar:

ClinVar aggregate classification (germline): Benign/Likely benign (0 of 4 stars; one submission).

Submission:

ISCA Site 6
Classification: Benign/Likely benign. Review status: no assertion criteria provided. Collection method: clinical testing. Allele origin: unknown. Affected: yes. Observed: 3 variant alleles. Clinical features observed: Developmental delay AND/OR other significant developmental or morphological phenotypes.
Comment: Likely benign (2), Benign (1)

Copy number variation identified through the course of routine clinical cytogenomic testing in postnatal populations, with clinical assertions as classified by the original submitter. For data from the original published study, Kaminsky, et al. 2011 (PubMed 21844811), please see nstd101.

GRCh37/hg19 Xq22.1(chrX:101596705-101693437)x3

Gene: NXF2B (nuclear RNA export factor 2B; minus strand). Cytogenetic location: Xq22.1.
Variant type: copy number gain.
Change: copy number 3 of chrX:101,596,705-101,693,437 (96.7 kb, GRCh37 coordinates, 1-based), cytogenetic band Xq22.1.
Identifiers: ClinVar variation 395397 (VCV000395397.3).